The following is an entry in ClinVar:

ClinVar aggregate classification (germline): Benign. Review status: criteria provided, multiple submitters, no conflicts (2 of 4 stars). 2 submissions from 2 submitters: Benign (2). Last evaluated 2018-01-12.

Conditions:
Hyper-IgE recurrent infection syndrome 1, autosomal dominant. Also called: HYPER-IgE SYNDROME 1, AUTOSOMAL DOMINANT, WITH RECURRENT INFECTIONS; JOB SYNDROME; Job's Syndrome; STAT3 Hyper IgE Syndrome; Hyper-IgE recurrent infection syndrome 1. Identifiers: Orphanet 2314, MedGen C2936739, MONDO:0007818, OMIM 147060.

Allele frequency attached by ClinVar (database versions not stated): 1000 Genomes Project 30x 0.44441; 1000 Genomes Project 0.44988; gnomAD 0.48332 and 0.49079; TOPMed 0.48445; gnomAD exomes 0.61041.
gnomAD v4.1: 123,143 of 231,740 alleles (53%); highest among the groups gnomAD compares: Admixed American, 70%; 37,779 homozygotes.

Submissions (2):

Illumina Laboratory Services, Illumina
Classification: Benign for Hyper-IgE recurrent infection syndrome 1, autosomal dominant. Last evaluated: 2018-01-12. Review status: criteria provided, single submitter. Criteria: ICSL Variant Classification Criteria 13 December 2019. Collection method: clinical testing. Allele origin: germline.
Comment: This variant was observed in the ICSL laboratory as part of a predisposition screen in an ostensibly healthy population. It had not been previously curated by ICSL or reported in the Human Gene Mutation Database (HGMD: prior to June 1st, 2018), and was therefore a candidate for classification through an automated scoring system. Utilizing variant allele frequency, disease prevalence and penetrance estimates, and inheritance mode, an automated score was calculated to assess if this variant is too frequent to cause the disease. Based on the score and internal cut-off values, a variant classified as benign is not then subjected to further curation. The score for this variant resulted in a classification of benign for this disease.

Breakthrough Genomics
Classification: Benign. Review status: criteria provided, single submitter. Criteria: ACMG Guidelines, 2015. Collection method: not provided. Allele origin: germline. Inheritance: Autosomal dominant inheritance. Affected: yes.

NM_139276.3(STAT3):c.*1671C>T

Gene: STAT3 (signal transducer and activator of transcription 3; minus strand). Cytogenetic location: 17q21.2.
Variant type: single nucleotide variant.
Coding change: c.*1671C>T on transcript NM_139276.3 (MANE Select); 1671 bases downstream of the stop codon, C replaced by T.
Molecular consequence: 3 prime UTR variant.
Genome position (GRCh38, 1-based): chr17:42,314,074, G>A on the plus strand (C>T on the coding strand, the complement: STAT3 is on the minus strand). VCF-style: chr17-42314074-G-A. GRCh37 (hg19) VCF-style: chr17-40466092-G-A.
Other names: c.*1671C>T (NM_001369512.1, NM_001369513.1, NM_001369514.1 and 10 more transcripts); c.*1765C>T (NM_001369517.1, NM_001369518.1, NM_001369519.1 and 4 more transcripts).
Identifiers: ClinVar variation 323218 (VCV000323218.6), dbSNP rs1053004, ClinGen allele CA10639632.
Genomic context (GRCh38, chr17:42,314,074, plus strand): 5'-TCTGAGTCAGAGGCAGCCCATCCAGCACGTGCTAGGTGTTCCCATACGCACAGGAGAGGC[G>A]AGCTAGCCAGCCAAGGCGGGCAGGCGGGGAGGCCCTCTAGCTGTTCTGCCTCACCTGTGG-3'